The following is an entry in ClinVar:

ClinVar aggregate classification (germline): Uncertain significance. Review status: criteria provided, multiple submitters, no conflicts (2 of 4 stars). 3 submissions from 3 submitters: Uncertain significance (3). Last evaluated 2025-12-08.

Conditions:
Myofibrillar myopathy 6. Identifiers: Orphanet 199340, MedGen C2751831, MONDO:0013061, OMIM 612954.
Dilated cardiomyopathy 1HH (CMD1HH). Identifiers: Orphanet 154, MedGen C3151293, MONDO:0013479, OMIM 613881.
Cardiovascular phenotype. Identifiers: MedGen CN230736.

Allele frequency attached by ClinVar (database versions not stated): gnomAD 0.00001; TOPMed 0.00001.

Submissions (3):

Labcorp Genetics (formerly Invitae), Labcorp
Classification: Uncertain significance for Dilated cardiomyopathy 1HH; Myofibrillar myopathy 6. Last evaluated: 2025-12-08. Review status: criteria provided, single submitter. Criteria: Invitae Variant Classification Sherloc (09022015). Collection method: clinical testing. Allele origin: germline.
Comment: This variant, c.1628_1633del, is a complex sequence change that results in the deletion of 3 and insertion of 1 amino acid(s) in the BAG3 protein (p.Glu543_Pro545delinsAla). This variant is not present in population databases (gnomAD no frequency). This variant has not been reported in the literature in individuals affected with BAG3-related conditions. ClinVar contains an entry for this variant (Variation ID: 1310831). Experimental studies and prediction algorithms are not available or were not evaluated, and the functional significance of this variant is currently unknown. In summary, the available evidence is currently insufficient to determine the role of this variant in disease. Therefore, it has been classified as a Variant of Uncertain Significance.

Ambry Genetics
Classification: Uncertain significance for Cardiovascular phenotype. Last evaluated: 2020-11-09. Review status: criteria provided, single submitter. Criteria: Ambry Variant Classification Scheme 2023. Collection method: clinical testing. Allele origin: germline.
Comment: The c.1628_1633delAAGATC variant (also known as p.E543_P545delinsA), located in coding exon 4 of the BAG3 gene, results from an in-frame deletion of AAGATC at nucleotide positions 1628 to 1633. This results in a deletion of the glutamic acid, aspartic acid, and proline residues at codons 544 to 545, and the insertion of an alanine residue. This amino acid region is not well conserved in available vertebrate species. In addition, the in silico prediction for this alteration is inconclusive (Choi Y et al. PLoS ONE. 2012; 7(10):e46688). Since supporting evidence is limited at this time, the clinical significance of this alteration remains unclear.

GeneDx
Classification: Uncertain significance. Last evaluated: 2019-12-04. Review status: criteria provided, single submitter. Criteria: GeneDx Variant Classification Process June 2021. Collection method: clinical testing. Allele origin: germline. Affected: yes.
Comment: Has not been previously published as pathogenic or benign to our knowledge; Not observed in large population cohorts (Lek et al., 2016); In silico analysis, which includes protein predictors and evolutionary conservation, supports a deleterious effect

NM_004281.4(BAG3):c.1628_1633del (p.Glu543_Pro545delinsAla)

Gene: BAG3 (BAG cochaperone 3; plus strand). Cytogenetic location: 10q26.11.
Variant type: Deletion.
Coding change: c.1628_1633del on transcript NM_004281.4 (MANE Select); coding-DNA positions 1628 to 1633, 6 bases deleted (AAGATC; older notation c.1628_1633delAAGATC).
Protein change: p.Glu543_Pro545delinsAla.
Molecular consequence: inframe indel.
Genome position (GRCh38, 1-based): chr10:119,677,182-119,677,187, AAGATC deleted. VCF-style (leftmost placement, unchanged base first): chr10-119677181-GAAGATC-G. GRCh37 (hg19) VCF-style: chr10-121436693-GAAGATC-G.
Other names: c.1628_1633delAAGATC (NM_004281.3).
Identifiers: ClinVar variation 1310831 (VCV001310831.8), dbSNP rs1847251591, ClinGen allele CA933144058.